The following is an entry in ClinVar:

ClinVar aggregate classification (germline): Likely pathogenic (1 of 4 stars; one submission).

Submission:

Labcorp Genetics (formerly Invitae), Labcorp
Classification: Likely pathogenic. Last evaluated: 2023-05-28. Review status: criteria provided, single submitter. Criteria: Invitae Variant Classification Sherloc (09022015). Collection method: clinical testing. Allele origin: germline.
Comment: In summary, the currently available evidence indicates that the variant is pathogenic, but additional data are needed to prove that conclusively. Therefore, this variant has been classified as Likely Pathogenic. Algorithms developed to predict the effect of sequence changes on RNA splicing suggest that this variant may disrupt the consensus splice site. This variant has not been reported in the literature in individuals affected with MED17-related conditions. This variant is not present in population databases (gnomAD no frequency). This sequence change affects a donor splice site in intron 5 of the MED17 gene. It is expected to disrupt RNA splicing. Variants that disrupt the donor or acceptor splice site typically lead to a loss of protein function (PMID: 16199547), and loss-of-function variants in MED17 are known to be pathogenic (PMID: 20950787, 26004231, 30345598).

Literature cited by the submitters: PubMed 16199547; PubMed 20950787; PubMed 26004231; PubMed 30345598.

NM_004268.5(MED17):c.859+1G>T

Gene: MED17 (mediator complex subunit 17; plus strand). Cytogenetic location: 11q21.
Variant type: single nucleotide variant.
Coding change: c.859+1G>T on transcript NM_004268.5 (MANE Select); the canonical splice donor site of the intron after coding-DNA position 859, G replaced by T.
Molecular consequence: splice donor variant.
Genome position (GRCh38, 1-based): chr11:93,794,036, G>T. VCF-style: chr11-93794036-G-T. GRCh37 (hg19) VCF-style: chr11-93527202-G-T.
Identifiers: ClinVar variation 2961923 (VCV002961923.3), dbSNP rs1359164384, ClinGen allele CA382356529.